The following is an entry in ClinVar:

ClinVar aggregate classification (germline): Likely pathogenic. Review status: criteria provided, single submitter (1 of 4 stars). 2 submissions from 2 submitters: Likely pathogenic (1). 1 of the submissions does not count toward it. Last evaluated 2025-07-29.

Conditions:
JKAMP neurodevelopmental disorder.
Neurodevelopmental disorder with seizures and impaired intellectual and language development. Identifiers: MedGen CN381014, MONDO:0981032, OMIM 621533.

gnomAD v4.1: 1 of 1,563,828 alleles (0.000064%); highest among the groups gnomAD compares: Non-Finnish European, 0.000087%; no homozygotes.

Submissions (2):

Telethon Undiagnosed Diseases Program, Telethon Institute of Genetics and Medicine
Classification: Likely pathogenic for JKAMP neurodevelopmental disorder. Last evaluated: 2025-07-29. Review status: criteria provided, single submitter. Criteria: ACMG Guidelines, 2015. Collection method: clinical testing. Allele origin: biparental. Inheritance: Autosomal recessive inheritance. Affected: yes. Observed: 1 homozygote.
Comment: The c.640+1G>T variant affects the canonical splice donor site following exon 7 of JKAMP. Disruption of the conserved GT dinucleotide at the +1 position is predicted to impair normal splicing, likely resulting in exon skipping or activation of cryptic splice sites. Loss of normal splicing may impair JKAMP function.

OMIM
Classification: Pathogenic for NEURODEVELOPMENTAL DISORDER WITH SEIZURES AND IMPAIRED INTELLECTUAL AND LANGUAGE DEVELOPMENT. Last evaluated: 2026-03-10. Review status: no assertion criteria provided. Collection method: literature only. Allele origin: germline. Not counted in ClinVar's aggregate classification.

Literature cited by the submitters: PubMed 41643666 (cited by OMIM).

NM_016475.5(JKAMP):c.640+1G>T

Genes: JKAMP (JNK1/MAPK8 associated membrane protein; plus strand), L3HYPDH (trans-L-3-hydroxyproline dehydratase; minus strand). Cytogenetic location: 14q23.1.
Variant type: single nucleotide variant.
Coding change: c.640+1G>T on transcript NM_016475.5 (MANE Select); the canonical splice donor site of the intron after coding-DNA position 640, G replaced by T.
Molecular consequence: splice donor variant.
Genome position (GRCh38, 1-based): chr14:59,498,909, G>T. VCF-style: chr14-59498909-G-T. GRCh37 (hg19) VCF-style: chr14-59965627-G-T.
Other names: NT640, G-T, +1 (SCV006279840); c.664+1G>T (NM_001284202.2); c.451+1G>T (NM_001284203.2); c.640+1G>T (NM_001284204.2); c.622+1G>T (NM_001098625.3); c.682+1G>T (NM_001284201.2).
Identifiers: ClinVar variation 4072204 (VCV004072204.2).